The following is an entry in ClinVar:

ClinVar aggregate classification (germline): Conflicting classifications of pathogenicity. Review status: criteria provided, conflicting classifications (1 of 4 stars). 4 submissions from 4 submitters: Likely pathogenic (1); Uncertain significance (3). Last evaluated 2022-04-13.

Conditions:
Macrocephaly-developmental delay syndrome (MRT41). Also called: INTELLECTUAL DEVELOPMENTAL DISORDER, AUTOSOMAL RECESSIVE 41. Identifiers: Orphanet 397612, MedGen C3810225, MONDO:0014289, OMIM 615637.
Inborn genetic diseases. Identifiers: MedGen C0950123, MeSH D030342.

Allele frequency attached by ClinVar (database versions not stated): ExAC 0.00002; gnomAD exomes 0.00002 and 0.00003; TOPMed 0.00004.

Submissions (5):

Greenwood Genetic Center Diagnostic Laboratories, Greenwood Genetic Center
Classification: Likely pathogenic for Macrocephaly-developmental delay syndrome. Last evaluated: 2022-04-13. Review status: criteria provided, single submitter. Criteria: ACMG Guidelines, 2015. Collection method: clinical testing. Allele origin: germline. Affected: yes.
Comment: PS3, PM2

Labcorp Genetics (formerly Invitae), Labcorp
Classification: Uncertain significance for Macrocephaly-developmental delay syndrome. Last evaluated: 2022-01-28. Review status: criteria provided, single submitter. Criteria: Invitae Variant Classification Sherloc (09022015). Collection method: clinical testing. Allele origin: germline.
Comment: This sequence change replaces arginine, which is basic and polar, with glutamine, which is neutral and polar, at codon 288 of the KPTN protein (p.Arg288Gln). This variant also falls at the last nucleotide of exon 9, which is part of the consensus splice site for this exon. This variant is present in population databases (rs772378754, gnomAD 0.004%). This variant has not been reported in the literature in individuals affected with KPTN-related conditions. ClinVar contains an entry for this variant (Variation ID: 916244). Algorithms developed to predict the effect of missense changes on protein structure and function are either unavailable or do not agree on the potential impact of this missense change (SIFT: "Tolerated"; PolyPhen-2: "Possibly Damaging"; Align-GVGD: "Class C0"). In summary, the available evidence is currently insufficient to determine the role of this variant in disease. Therefore, it has been classified as a Variant of Uncertain Significance. Variants that disrupt the consensus splice site are a relatively common cause of aberrant splicing (PMID: 17576681, 9536098). Algorithms developed to predict the effect of sequence changes on RNA splicing suggest that this variant may disrupt the consensus splice site.

Ambry Genetics
Classification: Uncertain significance for Inborn genetic diseases. Last evaluated: 2021-11-01. Review status: criteria provided, single submitter. Criteria: Ambry Variant Classification Scheme 2023. Collection method: clinical testing. Allele origin: germline.

CeGaT Center for Human Genetics Tuebingen
Classification: Uncertain significance. Last evaluated: 2020-06-01. Review status: criteria provided, single submitter. Criteria: CeGaT Center For Human Genetics Tuebingen Variant Classification Criteria Version 2. Collection method: clinical testing. Allele origin: germline. Affected: yes. Observed: 3 variant alleles.

Dr. Peter K. Rogan Lab, Western University
No classification provided (evidence only). Condition: Thymoma. Review status: no classification provided. Collection method: in vitro. Allele origin: not applicable. Functional consequence: skipped exon, retained intron. Not counted in ClinVar's aggregate classification.

Literature cited by the submitters: PubMed 17576681 (cited by Labcorp Genetics (formerly Invitae), Labcorp); PubMed 9536098 (cited by Labcorp Genetics (formerly Invitae), Labcorp).

NM_007059.4(KPTN):c.863G>A (p.Arg288Gln)

Gene: KPTN (kaptin, actin binding protein; minus strand). Cytogenetic location: 19q13.32.
Variant type: single nucleotide variant.
Coding change: c.863G>A on transcript NM_007059.4 (MANE Select); coding-DNA position 863, G replaced by A.
Protein change: p.Arg288Gln; replaces arginine 288 with glutamine.
Molecular consequence: missense variant. On other transcripts: non-coding transcript variant (1).
Genome position (GRCh38, 1-based): chr19:47,477,706, C>T on the plus strand (G>A on the coding strand, the complement: KPTN is on the minus strand). VCF-style: chr19-47477706-C-T. GRCh37 (hg19) VCF-style: chr19-47980963-C-T.
Other names: c.695G>A, p.Arg232Gln (NM_001291296.2); short protein forms R232Q, R288Q.
Identifiers: ClinVar variation 916244 (VCV000916244.49), dbSNP rs772378754, ClinGen allele CA9540289.